The following is an entry in ClinVar:

ClinVar aggregate classification (germline): Uncertain significance (1 of 4 stars; one submission).

Submission:

Dasa
Classification: Uncertain significance. Last evaluated: 2025-09-27. Review status: criteria provided, single submitter. Criteria: DASA Assertion Criteria. Collection method: clinical testing. Allele origin: germline.
Comment: NM_024422.6(DSC2):c.1243G>C (p.Gly415Arg) is a missense variant that results in the substitution of glycine with arginine. This variant is absent from population databases. The currently available literature and clinical evidence are not sufficient to establish a definitive association between this variant and the reported condition. Therefore, this variant is classified as a variant of uncertain significance.

NM_024422.6(DSC2):c.1243G>C (p.Gly415Arg)

Gene: DSC2 (desmocollin 2; minus strand). Cytogenetic location: 18q12.1.
Variant type: single nucleotide variant.
Coding change: c.1243G>C on transcript NM_024422.6 (MANE Select); coding-DNA position 1243, G replaced by C.
Protein change: p.Gly415Arg; replaces glycine 415 with arginine.
Molecular consequence: missense variant.
Genome position (GRCh38, 1-based): chr18:31,082,258, C>G on the plus strand (G>C on the coding strand, the complement: DSC2 is on the minus strand). VCF-style: chr18-31082258-C-G. GRCh37 (hg19) VCF-style: chr18-28662224-C-G.
Other names: c.814G>C, p.Gly272Arg (NM_001406506.1, NM_001406507.1); c.1243G>C, p.Gly415Arg (NM_004949.5); short protein forms G272R, G415R.
Identifiers: ClinVar variation 4883506 (VCV004883506.2).
Genomic context (GRCh38, chr18:31,082,258, plus strand): 5'-GATATTATAAACTACAAATAATGTTCTAATTTATTCTTACCTTAACTACACAAAGAACTC[C>G]TTCATTGGTTTTGGCATCTGTTACAATTTTAAAATTGCCATTTTCATTGCCCTTTAAAAT-3'
Protein context (NP_077740.1, residues 405-425): KIVTDAKTNE[Gly415Arg]VLCVVKPLNY